The following is an entry in ClinVar:

ClinVar aggregate classification (germline): Uncertain significance (1 of 4 stars; one submission).

Conditions:
Arrhythmogenic cardiomyopathy with wooly hair and keratoderma. Also called: Dilated cardiomyopathy with woolly hair and keratoderma; PALMOPLANTAR KERATODERMA WITH LEFT VENTRICULAR CARDIOMYOPATHY AND WOOLLY HAIR; Carvajal syndrome; Arrhythmogenic cardiomyopathy with woolly hair and keratoderma. Identifiers: Orphanet 65282, MedGen C1854063, MONDO:0011581, OMIM 605676.
Arrhythmogenic right ventricular dysplasia 8 (ARVD8). Also called: Arrhythmogenic Right Ventricular Dysplasia/Cardiomyopathy 8; ARRHYTHMOGENIC RIGHT VENTRICULAR DYSPLASIA, FAMILIAL, 8; ARRHYTHMOGENIC RIGHT VENTRICULAR CARDIOMYOPATHY 8. Identifiers: MedGen C1843896, MONDO:0011831, OMIM 607450.

gnomAD v4.1: 2 of 1,613,990 alleles (0.00012%); highest among the groups gnomAD compares: Non-Finnish European, 0.00017%; no homozygotes.

Submission:

Labcorp Genetics (formerly Invitae), Labcorp
Classification: Uncertain significance for Arrhythmogenic cardiomyopathy with wooly hair and keratoderma; Arrhythmogenic right ventricular dysplasia 8. Last evaluated: 2024-09-29. Review status: criteria provided, single submitter. Criteria: Invitae Variant Classification Sherloc (09022015). Collection method: clinical testing. Allele origin: germline.
Comment: This sequence change replaces serine, which is neutral and polar, with leucine, which is neutral and non-polar, at codon 2131 of the DSP protein (p.Ser2131Leu). This variant is not present in population databases (gnomAD no frequency). This variant has not been reported in the literature in individuals affected with DSP-related conditions. An algorithm developed to predict the effect of missense changes on protein structure and function (PolyPhen-2) suggests that this variant is likely to be tolerated. In summary, the available evidence is currently insufficient to determine the role of this variant in disease. Therefore, it has been classified as a Variant of Uncertain Significance.

NM_004415.4(DSP):c.6392C>T (p.Ser2131Leu)

Gene: DSP (desmoplakin; plus strand). Cytogenetic location: 6p24.3.
Variant type: single nucleotide variant.
Coding change: c.6392C>T on transcript NM_004415.4 (MANE Select); coding-DNA position 6392, C replaced by T.
Protein change: p.Ser2131Leu; replaces serine 2131 with leucine.
Molecular consequence: missense variant.
Genome position (GRCh38, 1-based): chr6:7,583,654, C>T. VCF-style: chr6-7583654-C-T. GRCh37 (hg19) VCF-style: chr6-7583887-C-T.
Other names: c.4595C>T, p.Ser1532Leu (NM_001008844.3); c.5063C>T, p.Ser1688Leu (NM_001319034.2); short protein forms S1532L, S1688L, S2131L.
Identifiers: ClinVar variation 3753454 (VCV003753454.2).
Genomic context (GRCh38, chr6:7,583,654, plus strand): 5'-TCAAGAAAAATTTGATTGATAGAGAAACCGGAATGCGCCTGCTGGAAGCCCAGATTGCTT[C>T]AGGGGGTGTAGTAGACCCTGTGAACAGTGTCTTTTTGCCAAAAGATGTCGCCTTGGCCCG-3'
Protein context (NP_004406.2, residues 2121-2141): GMRLLEAQIA[Ser2131Leu]GGVVDPVNSV